The following is an entry in ClinVar:

ClinVar aggregate classification (germline): Conflicting classifications of pathogenicity. Review status: criteria provided, conflicting classifications (1 of 4 stars). 3 submissions from 3 submitters: Uncertain significance (2); Likely benign (1). Last evaluated 2026-01-25.

Conditions:
Hereditary cancer-predisposing syndrome. Also called: Neoplastic Syndromes, Hereditary; Hereditary neoplastic syndrome; Tumor predisposition; Hereditary Cancer Syndrome. Identifiers: Orphanet 140162, MedGen C0027672, MeSH D009386, MONDO:0015356.
Neurofibromatosis, type 2 (SWNV). Also called: BILATERAL ACOUSTIC NEUROFIBROMATOSIS; SCHWANNOMATOSIS, VESTIBULAR; NF2-Related Schwannomatosis. Identifiers: Orphanet 637, MedGen C0027832, MONDO:0007039, OMIM 101000. Disease mechanism: loss of function.

Allele frequency attached by ClinVar (database versions not stated): gnomAD exomes below 0.00001; gnomAD 0.00001; ExAC 0.00002; TOPMed 0.00002; ESP Exome Variant Server 0.00008.
gnomAD v4.1: 2 of 1,614,094 alleles (0.00012%); highest among the groups gnomAD compares: African/African-American, 0.0027%; no homozygotes.

Submissions (3):

Labcorp Genetics (formerly Invitae), Labcorp
Classification: Likely benign for Neurofibromatosis, type 2. Last evaluated: 2026-01-25. Review status: criteria provided, single submitter. Criteria: Invitae Variant Classification Sherloc (09022015). Collection method: clinical testing. Allele origin: germline.

Ambry Genetics
Classification: Uncertain significance for Hereditary cancer-predisposing syndrome. Last evaluated: 2025-10-16. Review status: criteria provided, single submitter. Criteria: Ambry Variant Classification Scheme 2023. Collection method: clinical testing. Allele origin: germline.
Comment: The p.V92I variant (also known as c.274G>A), located in coding exon 3 of the NF2 gene, results from a G to A substitution at nucleotide position 274. The valine at codon 92 is replaced by isoleucine, an amino acid with highly similar properties. This amino acid position is not well conserved in available vertebrate species. In addition, this alteration is predicted to be tolerated by in silico analysis. Since supporting evidence is limited at this time, the clinical significance of this alteration remains unclear.

All of Us Research Program, National Institutes of Health
Classification: Uncertain significance for Neurofibromatosis, type 2. Last evaluated: 2024-02-22. Review status: criteria provided, single submitter. Criteria: ACMG Guidelines, 2015. Collection method: clinical testing. Allele origin: germline. Inheritance: Autosomal dominant inheritance. Observed: 1 variant allele, 1 heterozygote.
Comment: This missense variant replaces valine with isoleucine at codon 92 of the NF2 protein. Computational prediction suggests that this variant may not impact protein structure and function (internally defined REVEL score threshold <= 0.5, PMID: 27666373). To our knowledge, functional studies have not been reported for this variant. This variant has not been reported in individuals affected with NF2-related disorders in the literature. This variant has been identified in 1/251458 chromosomes in the general population by the Genome Aggregation Database (gnomAD). The available evidence is insufficient to determine the role of this variant in disease conclusively. Therefore, this variant is classified as a Variant of Uncertain Significance.

This study involves interpretation of variants in research participants for the purpose of population health screening. Participant phenotype was not available at the time of variant classification. Additional details can be found in publication PMID: 35346344, PMCID: PMC8962531

NM_000268.4(NF2):c.274G>A (p.Val92Ile)

Gene: NF2 (NF2, moesin-ezrin-radixin like (MERLIN) tumor suppressor; plus strand). Cytogenetic location: 22q12.2.
Variant type: single nucleotide variant.
Coding change: c.274G>A on transcript NM_000268.4 (MANE Select); coding-DNA position 274, G replaced by A.
Protein change: p.Val92Ile; replaces valine 92 with isoleucine.
Molecular consequence: missense variant. On other transcripts: non-coding transcript variant (1), intron variant (3).
Genome position (GRCh38, 1-based): chr22:29,639,123, G>A. VCF-style: chr22-29639123-G-A. GRCh37 (hg19) VCF-style: chr22-30035112-G-A.
Other names: c.274G>A, p.Val92Ile (NM_016418.5, NM_181825.3, NM_181832.3 and 1 more transcripts); c.148G>A, p.Val50Ile (NM_181828.3); c.240+2247G>A (NM_181829.3); c.115-3079G>A (NM_181830.3, NM_181831.3); short protein forms V92I, V50I.
Identifiers: ClinVar variation 854677 (VCV000854677.12), dbSNP rs145935225, ClinGen allele CA030344.